The following is an entry in ClinVar:

ClinVar aggregate classification (germline): Uncertain significance. Review status: criteria provided, multiple submitters, no conflicts (2 of 4 stars). 3 submissions from 3 submitters: Uncertain significance (2). 1 of the submissions does not count toward it. Last evaluated 2023-07-21.

Conditions:
Kabuki syndrome 2 (KABUK2). Also called: KDM6A-Related Kabuki Syndrome. Identifiers: Orphanet 2322, MedGen C3275495, MONDO:0010465, OMIM 300867.

Allele frequency attached by ClinVar (database versions not stated): gnomAD exomes below 0.00001.
gnomAD v4.1: 5 of 1,203,944 alleles (0.00042%); highest among the groups gnomAD compares: Non-Finnish European, 0.00056%; no homozygotes.

Submissions (3):

Labcorp Genetics (formerly Invitae), Labcorp
Classification: Uncertain significance for Kabuki syndrome 2. Last evaluated: 2023-07-21. Review status: criteria provided, single submitter. Criteria: Invitae Variant Classification Sherloc (09022015). Collection method: clinical testing. Allele origin: germline.
Comment: ClinVar contains an entry for this variant (Variation ID: 134595). Advanced modeling of protein sequence and biophysical properties (such as structural, functional, and spatial information, amino acid conservation, physicochemical variation, residue mobility, and thermodynamic stability) performed at Invitae indicates that this missense variant is expected to disrupt KDM6A protein function. In summary, the available evidence is currently insufficient to determine the role of this variant in disease. Therefore, it has been classified as a Variant of Uncertain Significance. This variant has not been reported in the literature in individuals affected with KDM6A-related conditions. This sequence change replaces tyrosine, which is neutral and polar, with cysteine, which is neutral and slightly polar, at codon 272 of the KDM6A protein (p.Tyr272Cys). This variant is not present in population databases (gnomAD no frequency).

CeGaT Center for Human Genetics Tuebingen
Classification: Uncertain significance. Last evaluated: 2021-01-01. Review status: criteria provided, single submitter. Criteria: CeGaT Center For Human Genetics Tuebingen Variant Classification Criteria Version 2. Collection method: clinical testing. Allele origin: germline. Affected: yes. Observed: 1 variant allele.

ITMI
No classification provided. Condition: AllHighlyPenetrant. Last evaluated: 2013-09-19. Review status: no classification provided. Collection method: reference population. Allele origin: germline. Not counted in ClinVar's aggregate classification.
Comment: Please see associated publication for description of ethnicities

Literature cited by the submitters: PubMed 24728327 (cited by ITMI).

NM_001291415.2(KDM6A):c.815A>G (p.Tyr272Cys)

Gene: KDM6A (lysine demethylase 6A; plus strand). Cytogenetic location: Xp11.3.
Variant type: single nucleotide variant.
Coding change: c.815A>G on transcript NM_001291415.2 (MANE Select); coding-DNA position 815, A replaced by G.
Protein change: p.Tyr272Cys; replaces tyrosine 272 with cysteine.
Molecular consequence: missense variant. On other transcripts: non-coding transcript variant (1).
Genome position (GRCh38, 1-based): chrX:45,053,895, A>G. VCF-style: chrX-45053895-A-G. GRCh37 (hg19) VCF-style: chrX-44913140-A-G.
Other names: c.815A>G, p.Tyr272Cys (NM_001291416.2, NM_001291417.2, NM_001291418.2 and 1 more transcripts); c.62A>G, p.Tyr21Cys (NM_001291421.2); short protein forms Y272C, Y21C.
Identifiers: ClinVar variation 134595 (VCV000134595.43), dbSNP rs587778421, ClinGen allele CA160287.